The following is an entry in ClinVar:

NM_144596.4(TTC8):c.145-7G>A

Gene: TTC8 (tetratricopeptide repeat domain 8; plus strand). Cytogenetic location: 14q31.3.
Variant type: single nucleotide variant.
Coding change: c.145-7G>A on transcript NM_144596.4 (MANE Select); 7 bases into the intron before coding-DNA position 145, G replaced by A.
Molecular consequence: intron variant.
Genome position (GRCh38, 1-based): chr14:88,839,445, G>A. VCF-style: chr14-88839445-G-A. GRCh37 (hg19) VCF-style: chr14-89305789-G-A.
Other names: c.-448-7G>A (NM_001288782.1); c.115-7G>A (NM_001288781.1, NM_198309.3, NM_198310.3 and 2 more transcripts); c.-543-7G>A (NM_001288783.1); c.145-7G>A (NM_144596.3).
Identifiers: ClinVar variation 1170296 (VCV001170296.12), dbSNP rs368220069, ClinGen allele CA7302377.

ClinVar aggregate classification (germline): Benign/Likely benign. Review status: criteria provided, multiple submitters, no conflicts (2 of 4 stars). 3 submissions from 3 submitters: Benign (1); Likely benign (1). 1 of the submissions does not count toward it. Last evaluated 2026-01-18.

Conditions:
TTC8-related disorder. Also called: TTC8-related condition.
Bardet-Biedl syndrome (BBS). Identifiers: Orphanet 110, MedGen C0752166, MONDO:0015229.

Allele frequency attached by ClinVar (database versions not stated): gnomAD 0.00004 and 0.00006; gnomAD exomes 0.00004 and 0.00027; TOPMed 0.00010; ExAC 0.00023.
gnomAD v4.1: 78 of 1,612,754 alleles (0.0048%); highest among the groups gnomAD compares: East Asian, 0.15%; no homozygotes.

Submissions (3):

Labcorp Genetics (formerly Invitae), Labcorp
Classification: Benign for Bardet-Biedl syndrome. Last evaluated: 2026-01-18. Review status: criteria provided, single submitter. Criteria: Invitae Variant Classification Sherloc (09022015). Collection method: clinical testing. Allele origin: germline.

Blueprint Genetics
Classification: Likely benign. Last evaluated: 2024-11-15. Review status: criteria provided, single submitter. Criteria: ACMG Guidelines, 2015. Collection method: clinical testing. Allele origin: germline.

PreventionGenetics, part of Exact Sciences
Classification: Likely benign for TTC8-related condition. Last evaluated: 2021-04-21. Review status: no assertion criteria provided. Collection method: clinical testing. Allele origin: germline. Not counted in ClinVar's aggregate classification.
Comment: This variant is classified as likely benign based on ACMG/AMP sequence variant interpretation guidelines (Richards et al. 2015 PMID: 25741868, with internal and published modifications).